The following is an entry in ClinVar:

ClinVar aggregate classification (germline): Benign (1 of 4 stars; one submission).

Allele frequency attached by ClinVar (database versions not stated): 1000 Genomes Project 0.00040; 1000 Genomes Project 30x 0.00047; gnomAD 0.00132; TOPMed 0.00133.
gnomAD v4.1: 201 of 152,260 alleles (0.13%); highest among the groups gnomAD compares: Middle Eastern, 0.34%; no homozygotes.

Submission:

CeGaT Center for Human Genetics Tuebingen
Classification: Benign. Last evaluated: 2023-01-01. Review status: criteria provided, single submitter. Criteria: CeGaT Center For Human Genetics Tuebingen Variant Classification Criteria Version 2. Collection method: clinical testing. Allele origin: germline. Affected: yes. Observed: 4 variant alleles.
Comment: DEPDC5: BS1, BS2

NM_001242896.3(DEPDC5):c.4203+1638A>G

Gene: DEPDC5 (DEP domain containing 5, GATOR1 subcomplex subunit; plus strand). Cytogenetic location: 22q12.3.
Variant type: single nucleotide variant.
Coding change: c.4203+1638A>G on transcript NM_001242896.3 (MANE Select); 1638 bases into the intron after coding-DNA position 4203, A replaced by G.
Molecular consequence: intron variant.
Genome position (GRCh38, 1-based): chr22:31,895,389, A>G. VCF-style: chr22-31895389-A-G. GRCh37 (hg19) VCF-style: chr22-32291375-A-G.
Other names: c.4203+1638A>G (NM_001364318.2); c.4176+1638A>G (NM_001136029.4); c.4110+1638A>G (NM_014662.6, NM_001369903.1); c.4137+1638A>G (NM_001363852.2, NM_001364320.2); c.3969+1638A>G (NM_001363854.2, NM_001364319.2); c.3903+1638A>G (NM_001242897.2); c.4119+1638A>G (NM_001369902.1, NM_001369901.1).
Identifiers: ClinVar variation 1711549 (VCV001711549.30), dbSNP rs535249232, ClinGen allele CA323350533.